The following is an entry in ClinVar:

ClinVar aggregate classification (germline): Uncertain significance (1 of 4 stars; one submission).

Conditions:
Norman-Roberts syndrome (LIS2). Also called: Lissencephaly 2 (Norman-Roberts type). Identifiers: Orphanet 89844, MedGen C0796089, MONDO:0009760, OMIM 257320.
Familial temporal lobe epilepsy 7. Identifiers: Orphanet 101046, MedGen C4225327, MONDO:0014639, OMIM 616436.

Allele frequency attached by ClinVar (database versions not stated): gnomAD exomes below 0.00001.
gnomAD v4.1: 1 of 1,614,142 alleles (0.000062%); highest among the groups gnomAD compares: Non-Finnish European, 0.000085%; no homozygotes.

Submission:

Labcorp Genetics (formerly Invitae), Labcorp
Classification: Uncertain significance for Familial temporal lobe epilepsy 7; Norman-Roberts syndrome. Last evaluated: 2025-02-10. Review status: criteria provided, single submitter. Criteria: Invitae Variant Classification Sherloc (09022015). Collection method: clinical testing. Allele origin: germline.
Comment: This sequence change replaces tyrosine, which is neutral and polar, with histidine, which is basic and polar, at codon 2851 of the RELN protein (p.Tyr2851His). This variant is not present in population databases (gnomAD no frequency). This variant has not been reported in the literature in individuals affected with RELN-related conditions. ClinVar contains an entry for this variant (Variation ID: 2420639). Invitae Evidence Modeling of protein sequence and biophysical properties (such as structural, functional, and spatial information, amino acid conservation, physicochemical variation, residue mobility, and thermodynamic stability) indicates that this missense variant is not expected to disrupt RELN protein function with a negative predictive value of 80%. In summary, the available evidence is currently insufficient to determine the role of this variant in disease. Therefore, it has been classified as a Variant of Uncertain Significance.

NM_005045.4(RELN):c.8551T>C (p.Tyr2851His)

Genes: RELN (reelin; minus strand), SLC26A5-AS1 (SLC26A5 antisense RNA 1; plus strand). Cytogenetic location: 7q22.1.
Variant type: single nucleotide variant.
Coding change: c.8551T>C on transcript NM_005045.4 (MANE Select); coding-DNA position 8551, T replaced by C.
Protein change: p.Tyr2851His; replaces tyrosine 2851 with histidine.
Molecular consequence: missense variant.
Genome position (GRCh38, 1-based): chr7:103,500,861, A>G on the plus strand (T>C on the coding strand, the complement: RELN is on the minus strand). VCF-style: chr7-103500861-A-G. GRCh37 (hg19) VCF-style: chr7-103141308-A-G.
Other names: c.8551T>C, p.Tyr2851His (NM_173054.3); short protein forms Y2851H.
Identifiers: ClinVar variation 2420639 (VCV002420639.6), dbSNP rs1829003536, ClinGen allele CA368755807.